The following is an entry in ClinVar:

ClinVar aggregate classification (germline): Uncertain significance. Review status: criteria provided, multiple submitters, no conflicts (2 of 4 stars). 2 submissions from 2 submitters: Uncertain significance (2). Last evaluated 2025-07-06.

Conditions:
Cardiovascular phenotype. Identifiers: MedGen CN230736.
Hypertrophic cardiomyopathy. Also called: HYPERTROPHIC MYOCARDIOPATHY. Identifiers: Orphanet 217569, MedGen C0007194, MeSH D002312, MONDO:0005045, HP:0001639.

Submissions (2):

Labcorp Genetics (formerly Invitae), Labcorp
Classification: Uncertain significance for Hypertrophic cardiomyopathy. Last evaluated: 2025-07-06. Review status: criteria provided, single submitter. Criteria: Invitae Variant Classification Sherloc (09022015). Collection method: clinical testing. Allele origin: germline.
Comment: This sequence change replaces glycine, which is neutral and non-polar, with glutamic acid, which is acidic and polar, at codon 200 of the TNNI3 protein (p.Gly200Glu). This variant is not present in population databases (gnomAD no frequency). This variant has not been reported in the literature in individuals affected with TNNI3-related conditions. ClinVar contains an entry for this variant (Variation ID: 237692). An algorithm developed to predict the effect of missense changes on protein structure and function (PolyPhen-2) suggests that this variant is likely to be disruptive. In summary, the available evidence is currently insufficient to determine the role of this variant in disease. Therefore, it has been classified as a Variant of Uncertain Significance.

Ambry Genetics
Classification: Uncertain significance for Cardiovascular phenotype. Last evaluated: 2024-10-07. Review status: criteria provided, single submitter. Criteria: Ambry Variant Classification Scheme 2023. Collection method: clinical testing. Allele origin: germline.
Comment: The p.G200E variant (also known as c.599G>A), located in coding exon 8 of the TNNI3 gene, results from a G to A substitution at nucleotide position 599. The glycine at codon 200 is replaced by glutamic acid, an amino acid with similar properties. This amino acid position is conserved. In addition, this alteration is predicted to be deleterious by in silico analysis. Based on the available evidence, the clinical significance of this variant remains unclear.

NM_000363.5(TNNI3):c.599G>A (p.Gly200Glu)

Gene: TNNI3 (troponin I3, cardiac type; minus strand). Cytogenetic location: 19q13.42.
Variant type: single nucleotide variant.
Coding change: c.599G>A on transcript NM_000363.5 (MANE Select); coding-DNA position 599, G replaced by A.
Protein change: p.Gly200Glu; replaces glycine 200 with glutamic acid.
Molecular consequence: missense variant.
Genome position (GRCh38, 1-based): chr19:55,151,868, C>T on the plus strand (G>A on the coding strand, the complement: TNNI3 is on the minus strand). VCF-style: chr19-55151868-C-T. GRCh37 (hg19) VCF-style: chr19-55663236-C-T.
Other names: c.599G>A (LRG_432t1); short protein forms G200E.
Identifiers: ClinVar variation 237692 (VCV000237692.9), dbSNP rs878853957, ClinGen allele CA10583862.